The following is an entry in ClinVar:

ClinVar aggregate classification (germline): Uncertain significance. Review status: criteria provided, multiple submitters, no conflicts (2 of 4 stars). 4 submissions from 4 submitters: Uncertain significance (3). 1 of the submissions does not count toward it. Last evaluated 2024-09-17.

Conditions:
Peroxisome biogenesis disorder. Identifiers: Orphanet 79189, MedGen C1832200, MONDO:0019234. Disease mechanism: loss of function.
Zellweger spectrum disorders (ZS). Also called: Zellweger syndrome; Zellweger Spectrum Disorder (ZSD); Zellweger Spectrum Disorder; Zellweger Spectrum. Identifiers: Orphanet 912, MedGen C0043459, MONDO:0019609.
PEX6-related disorder. Also called: PEX6-related condition; PEX6-related disorders.

Allele frequency attached by ClinVar (database versions not stated): gnomAD exomes 0.00001 and 0.00002; ExAC 0.00002; gnomAD 0.00002 and 0.00003; TOPMed 0.00003; ESP Exome Variant Server 0.00008.
gnomAD v4.1: 23 of 1,612,252 alleles (0.0014%); highest among the groups gnomAD compares: Middle Eastern, 0.033%; no homozygotes.

Submissions (4):

Blueprint Genetics
Classification: Uncertain significance. Last evaluated: 2024-09-17. Review status: criteria provided, single submitter. Criteria: ACMG Guidelines, 2015. Collection method: clinical testing. Allele origin: germline.

PreventionGenetics, part of Exact Sciences
Classification: Uncertain significance for PEX6-related condition. Last evaluated: 2023-05-26. Review status: criteria provided, single submitter. Criteria: ACMG Guidelines, 2015. Collection method: clinical testing. Allele origin: germline.
Comment: The PEX6 c.2254C>G variant is predicted to result in the amino acid substitution p.Leu752Val. To our knowledge, this variant has not been reported in the literature. This variant is reported in 0.0053% of alleles in individuals of European (Non-Finnish) descent in gnomAD. At this time, the clinical significance of this variant is uncertain due to the absence of conclusive functional and genetic evidence.

Labcorp Genetics (formerly Invitae), Labcorp
Classification: Uncertain significance for Peroxisome biogenesis disorder. Last evaluated: 2022-09-12. Review status: criteria provided, single submitter. Criteria: Invitae Variant Classification Sherloc (09022015). Collection method: clinical testing. Allele origin: germline.
Comment: This sequence change replaces leucine, which is neutral and non-polar, with valine, which is neutral and non-polar, at codon 752 of the PEX6 protein (p.Leu752Val). This variant is present in population databases (rs374975985, gnomAD 0.005%). This variant has not been reported in the literature in individuals affected with PEX6-related conditions. ClinVar contains an entry for this variant (Variation ID: 969099). Advanced modeling of protein sequence and biophysical properties (such as structural, functional, and spatial information, amino acid conservation, physicochemical variation, residue mobility, and thermodynamic stability) performed at Invitae indicates that this missense variant is expected to disrupt PEX6 protein function. In summary, the available evidence is currently insufficient to determine the role of this variant in disease. Therefore, it has been classified as a Variant of Uncertain Significance.

Natera, Inc.
Classification: Uncertain significance for Zellweger syndrome. Last evaluated: 2020-01-24. Review status: no assertion criteria provided. Collection method: clinical testing. Allele origin: germline. Not counted in ClinVar's aggregate classification.

NM_000287.4(PEX6):c.2254C>G (p.Leu752Val)

Gene: PEX6 (peroxisomal biogenesis factor 6; minus strand). Cytogenetic location: 6p21.1.
Variant type: single nucleotide variant.
Coding change: c.2254C>G on transcript NM_000287.4 (MANE Select); coding-DNA position 2254, C replaced by G.
Protein change: p.Leu752Val; replaces leucine 752 with valine.
Molecular consequence: missense variant.
Genome position (GRCh38, 1-based): chr6:42,966,288, G>C on the plus strand (C>G on the coding strand, the complement: PEX6 is on the minus strand). VCF-style: chr6-42966288-G-C. GRCh37 (hg19) VCF-style: chr6-42934026-G-C.
Other names: c.1990C>G, p.Leu664Val (NM_001316313.2); short protein forms L664V, L752V.
Identifiers: ClinVar variation 969099 (VCV000969099.6), dbSNP rs374975985, ClinGen allele CA3811093.
Genomic context (GRCh38, chr6:42,966,288, plus strand): 5'-GGCCCCCTGGCCACCTGAGGAAGGTAAGGCTGCACTCAGTGGCTACTGCCTTGGCCAGAA[G>C]GGTCTTGCCGGTGCCAGGGGGCCCATGGAGCAGAAGGCCTGAGCGTCTCAGGCCCAGGCT-3'
Protein context (NP_000278.3, residues 742-762): LHGPPGTGKT[Leu752Val]LAKAVATECS